The following is an entry in ClinVar:

ClinVar aggregate classification (germline): Pathogenic/Likely pathogenic. Review status: criteria provided, multiple submitters, no conflicts (2 of 4 stars). 3 submissions from 3 submitters: Pathogenic (1); Likely pathogenic (2). Last evaluated 2025-04-18.

Conditions:
Tuberous sclerosis 2 (TSC2). Identifiers: Orphanet 805, MedGen C1860707, MONDO:0013199, OMIM 613254.
Hereditary cancer-predisposing syndrome. Also called: Tumor predisposition; Neoplastic Syndromes, Hereditary; Hereditary neoplastic syndrome; Hereditary Cancer Syndrome. Identifiers: Orphanet 140162, MedGen C0027672, MeSH D009386, MONDO:0015356.

Submissions (3):

Ambry Genetics
Classification: Likely pathogenic for Hereditary cancer-predisposing syndrome. Last evaluated: 2025-04-18. Review status: criteria provided, single submitter. Criteria: Ambry Variant Classification Scheme 2023. Collection method: clinical testing. Allele origin: germline.
Comment: The c.2837+1G>A intronic variant results from a G to A substitution one nucleotide after coding exon 24 of the TSC2 gene. Alterations that disrupt the canonical splice site are expected to cause aberrant splicing, resulting in an abnormal protein or a transcript that is subject to nonsense-mediated mRNA decay. This variant is considered to be rare based on population cohorts in the Genome Aggregation Database (gnomAD). This nucleotide position is highly conserved in available vertebrate species. In silico splice site analysis predicts that this alteration will weaken the native splice donor site. RNA studies have demonstrated that this alteration results in abnormal splicing in the set of samples tested (Ambry internal data). Based on the majority of available evidence to date, this variant is likely to be pathogenic.

GeneDx
Classification: Pathogenic. Last evaluated: 2025-02-19. Review status: criteria provided, single submitter. Criteria: GeneDx Variant Classification Process June 2021. Collection method: clinical testing. Allele origin: germline. Affected: yes.
Comment: Canonical splice site variant predicted to result in a null allele in a gene for which loss of function is a known mechanism of disease; Not observed at significant frequency in large population cohorts (gnomAD); This variant is associated with the following publications: (PMID: 38201513)

Labcorp Genetics (formerly Invitae), Labcorp
Classification: Likely pathogenic for Tuberous sclerosis 2. Last evaluated: 2025-01-14. Review status: criteria provided, single submitter. Criteria: Invitae Variant Classification Sherloc (09022015). Collection method: clinical testing. Allele origin: germline.
Comment: This sequence change affects a donor splice site in intron 25 of the TSC2 gene. It is expected to disrupt RNA splicing. Variants that disrupt the donor or acceptor splice site typically lead to a loss of protein function (PMID: 16199547), and loss-of-function variants in TSC2 are known to be pathogenic (PMID: 10205261, 17304050). This variant is not present in population databases (gnomAD no frequency). Disruption of this splice site has been observed in individual(s) with unspecified tumor (PMID: 38201513). ClinVar contains an entry for this variant (Variation ID: 1067682). Algorithms developed to predict the effect of sequence changes on RNA splicing suggest that this variant may disrupt the consensus splice site. In summary, the currently available evidence indicates that the variant is pathogenic, but additional data are needed to prove that conclusively. Therefore, this variant has been classified as Likely Pathogenic.

Literature cited by the submitters: PubMed 16199547 (cited by Labcorp Genetics (formerly Invitae), Labcorp); PubMed 10205261 (cited by Labcorp Genetics (formerly Invitae), Labcorp); PubMed 17304050 (cited by Labcorp Genetics (formerly Invitae), Labcorp); PubMed 38201513 (cited by Labcorp Genetics (formerly Invitae), Labcorp).

NM_000548.5(TSC2):c.2837+1G>A

Gene: TSC2 (TSC complex subunit 2; plus strand). Cytogenetic location: 16p13.3.
Variant type: single nucleotide variant.
Coding change: c.2837+1G>A on transcript NM_000548.5 (MANE Select); the canonical splice donor site of the intron after coding-DNA position 2837, G replaced by A.
Molecular consequence: splice donor variant.
Genome position (GRCh38, 1-based): chr16:2,076,586, G>A. VCF-style: chr16-2076586-G-A. GRCh37 (hg19) VCF-style: chr16-2126587-G-A.
Other names: c.2837+1G>A (NM_000548.3, NM_001114382.3, NM_001406663.1 and 7 more transcripts); c.1493+1G>A (NM_001406693.1, NM_001406689.1, NM_001406690.1 and 6 more transcripts); c.2927+1G>A (NM_001406667.1, NM_001406668.1); c.2237+1G>A (NM_001406680.1, NM_001406683.1, NM_001406687.1 and 6 more transcripts); c.1235+1G>A (NM_001406698.1); c.2825+1G>A (NM_001406671.1, NM_001406673.1); c.2375+1G>A (NM_001406681.1); c.2726+1G>A (NM_001406670.1, NM_001318827.2, NM_001406678.1); and 3 more.
Identifiers: ClinVar variation 1067682 (VCV001067682.9), dbSNP rs45517271, ClinGen allele CA394280276.
Genomic context (GRCh38, chr16:2,076,586, plus strand): 5'-CACCCCCGAGAAGGACAGCTTCAGGGCCCGGAGTACTAGTCTCAACGAGAGACCCAAGAG[G>A]TACGGCCTGCGGGGGTGTGCCTGGAGTCGGTGTGGGGTGGGGAAGGACATGGGGCTGTGG-3'